The following is an entry in ClinVar:

NM_002582.4(PARN):c.889G>T (p.Val297Phe)

Gene: PARN (poly(A)-specific ribonuclease; minus strand). Cytogenetic location: 16p13.12.
Variant type: single nucleotide variant.
Coding change: c.889G>T on transcript NM_002582.4 (MANE Select); coding-DNA position 889, G replaced by T.
Protein change: p.Val297Phe; replaces valine 297 with phenylalanine.
Molecular consequence: missense variant.
Genome position (GRCh38, 1-based): chr16:14,593,330, C>A on the plus strand (G>T on the coding strand, the complement: PARN is on the minus strand). VCF-style: chr16-14593330-C-A. GRCh37 (hg19) VCF-style: chr16-14687187-C-A.
Other names: c.706G>T, p.Val236Phe (NM_001134477.3); c.751G>T, p.Val251Phe (NM_001242992.2); short protein forms V236F, V251F, V297F.
Identifiers: ClinVar variation 2636396 (VCV002636396.1), dbSNP rs1230931001, ClinGen allele CA394804616.
Genomic context (GRCh38, chr16:14,593,330, plus strand): 5'-AATATTAAACACAGACCAACAGGTCACTTACCGCAGGCAGAGGGCAGTAGAACTGATGAA[C>A]TGTGTGCATGACGTCCAAGAGCATATTGTGTCCAATAACAAGTTTTCCCTAAAGAAAGTC-3'
Protein context (NP_002573.1, residues 287-307): HNMLLDVMHT[Val297Phe]HQFYCPLPAD

ClinVar aggregate classification (germline): Uncertain significance (1 of 4 stars; one submission).

Conditions:
PARN-related disorder. Also called: PARN-related condition; PARN-related disorders.

Submission:

PreventionGenetics, part of Exact Sciences
Classification: Uncertain significance for PARN-related condition. Last evaluated: 2022-08-18. Review status: criteria provided, single submitter. Criteria: ACMG Guidelines, 2015. Collection method: clinical testing. Allele origin: germline.
Comment: The PARN c.889G>T variant is predicted to result in the amino acid substitution p.Val297Phe. To our knowledge, this variant has not been reported in the literature or in a large population database, indicating this variant is rare. At this time, the clinical significance of this variant is uncertain due to the absence of conclusive functional and genetic evidence.